The following is an entry in ClinVar:

ClinVar aggregate classification (germline): Pathogenic/Likely pathogenic. Review status: criteria provided, multiple submitters, no conflicts (2 of 4 stars). 4 submissions from 4 submitters: Pathogenic (1); Likely pathogenic (2). 1 of the submissions does not count toward it. Last evaluated 2026-01-31.

Conditions:
Brown-Vialetto-van Laere syndrome 1. Also called: BROWN-VIALETTO-VAN LAERE SYNDROME 1, MILD; BULBAR PALSY, PROGRESSIVE, WITH SENSORINEURAL DEAFNESS; PONTOBULBAR PALSY WITH DEAFNESS. Identifiers: Orphanet 572550, Orphanet 97229, MedGen C0796274, MONDO:0024537, OMIM 211530.
Progressive bulbar palsy of childhood. Also called: Childhood Progressive Bulbar Palsy; FAZIO-LONDE DISEASE. Identifiers: MedGen C0393540, MONDO:0100428, OMIM 211500.

Allele frequency attached by ClinVar (database versions not stated): gnomAD 0.00001; gnomAD exomes 0.00001 and 0.00002; ExAC 0.00002; TOPMed 0.00003.
gnomAD v4.1: 38 of 1,614,094 alleles (0.0024%); highest among the groups gnomAD compares: Non-Finnish European, 0.0028%; no homozygotes.

Submissions (4):

Labcorp Genetics (formerly Invitae), Labcorp
Classification: Pathogenic for Brown-Vialetto-van Laere syndrome 1. Last evaluated: 2026-01-31. Review status: criteria provided, single submitter. Criteria: Invitae Variant Classification Sherloc (09022015). Collection method: clinical testing. Allele origin: germline.
Comment: This sequence change replaces alanine, which is neutral and non-polar, with valine, which is neutral and non-polar, at codon 312 of the SLC52A3 protein (p.Ala312Val). This variant is present in population databases (rs752218005, gnomAD 0.003%). This missense change has been observed in individual(s) with Brown-Vialetto-Van Laere syndrome (PMID: 22718020, 33189404). In at least one individual the data is consistent with being in trans (on the opposite chromosome) from a pathogenic variant. It has also been observed to segregate with disease in related individuals. ClinVar contains an entry for this variant (Variation ID: 210021). Invitae Evidence Modeling of protein sequence and biophysical properties (such as structural, functional, and spatial information, amino acid conservation, physicochemical variation, residue mobility, and thermodynamic stability) indicates that this missense variant is expected to disrupt SLC52A3 protein function with a positive predictive value of 95%. For these reasons, this variant has been classified as Pathogenic.

First Genomix Gene Laboratory, Genetic Diagnostics Department
Classification: Likely pathogenic for Progressive bulbar palsy of childhood; Brown-Vialetto-van Laere syndrome 1. Last evaluated: 2025-05-26. Review status: criteria provided, single submitter. Criteria: ACMG Guidelines, 2015. Collection method: clinical testing. Allele origin: germline. Inheritance: Autosomal recessive inheritance. Affected: no. Observed: 1 variant allele.

GeneDx
Classification: Likely pathogenic. Last evaluated: 2024-02-09. Review status: criteria provided, single submitter. Criteria: GeneDx Variant Classification Process June 2021. Collection method: clinical testing. Allele origin: germline. Affected: yes.
Comment: Not observed at significant frequency in large population cohorts (gnomAD); In silico analysis supports that this missense variant has a deleterious effect on protein structure/function; This variant is associated with the following publications: (PMID: 34426522, 33189404, 27702554, 22718020, 23107375)

GeneReviews
No classification provided. Condition: Brown-Vialetto-van Laere syndrome 1. Review status: no classification provided. Collection method: literature only. Allele origin: germline. Affected: yes. Not counted in ClinVar's aggregate classification.

Literature cited by the submitters: PubMed 22718020 (cited by Labcorp Genetics (formerly Invitae), Labcorp and GeneReviews); PubMed 33189404 (cited by Labcorp Genetics (formerly Invitae), Labcorp); NCBI Bookshelf NBK299312 (cited by GeneReviews).

NM_033409.4(SLC52A3):c.935C>T (p.Ala312Val)

Gene: SLC52A3 (solute carrier family 52 member 3; minus strand). Cytogenetic location: 20p13.
Variant type: single nucleotide variant.
Coding change: c.935C>T on transcript NM_033409.4 (MANE Select); coding-DNA position 935, C replaced by T.
Protein change: p.Ala312Val; replaces alanine 312 with valine.
Molecular consequence: missense variant.
Genome position (GRCh38, 1-based): chr20:763,636, G>A on the plus strand (C>T on the coding strand, the complement: SLC52A3 is on the minus strand). VCF-style: chr20-763636-G-A. GRCh37 (hg19) VCF-style: chr20-744280-G-A.
Other names: c.935C>T, p.Ala312Val (NM_001370085.1, NM_001370086.1); short protein forms A312V.
Identifiers: ClinVar variation 210021 (VCV000210021.11), dbSNP rs752218005, ClinGen allele CA346985.